The following is an entry in ClinVar:

NM_000057.4(BLM):c.75_78del (p.Leu25fs)

Gene: BLM (BLM RecQ like helicase; plus strand). Cytogenetic location: 15q26.1.
Variant type: Deletion.
Coding change: c.75_78del on transcript NM_000057.4 (MANE Select); coding-DNA positions 75 to 78, 4 bases deleted (AAGT; older notation c.75_78delAAGT).
Protein change: p.Leu25fs; shifts the reading frame from leucine 25.
Molecular consequence: frameshift variant. On other transcripts: 5 prime UTR variant (1).
Genome position (GRCh38, 1-based): chr15:90,747,467-90,747,470, AAGT deleted; deleting any 4 consecutive bases within chr15:90,747,466-90,747,470 gives the same sequence; the c. name uses the placement nearest the transcript's 3' end. VCF-style (leftmost placement, unchanged base first): chr15-90747465-TTAAG-T. GRCh37 (hg19) VCF-style: chr15-91290695-TTAAG-T.
Other names: c.75_78del, p.Leu25fs (NM_001287246.2, NM_001287247.2); c.-1217_-1214del (NM_001287248.2); short protein forms L25fs.
Identifiers: ClinVar variation 2680164 (VCV002680164.4), dbSNP rs2505385125, ClinGen allele CA2575835725.

ClinVar aggregate classification (germline): Pathogenic/Likely pathogenic. Review status: criteria provided, multiple submitters, no conflicts (2 of 4 stars). 2 submissions from 2 submitters: Pathogenic (1); Likely pathogenic (1). Last evaluated 2025-11-02.

Conditions:
Bloom syndrome (BLM). Also called: Bloom-Torre-Machacek syndrome. Identifiers: Orphanet 125, MedGen C0005859, MONDO:0008876, OMIM 210900.

Submissions (2):

Labcorp Genetics (formerly Invitae), Labcorp
Classification: Pathogenic for Bloom syndrome. Last evaluated: 2025-11-02. Review status: criteria provided, single submitter. Criteria: Invitae Variant Classification Sherloc (09022015). Collection method: clinical testing. Allele origin: germline.
Comment: This sequence change creates a premature translational stop signal (p.Leu25Phefs*24) in the BLM gene. It is expected to result in an absent or disrupted protein product. Loss-of-function variants in BLM are known to be pathogenic (PMID: 17407155). This variant is not present in population databases (gnomAD no frequency). This variant has not been reported in the literature in individuals affected with BLM-related conditions. ClinVar contains an entry for this variant (Variation ID: 2680164). For these reasons, this variant has been classified as Pathogenic.

Baylor Genetics
Classification: Likely pathogenic for Bloom syndrome. Last evaluated: 2023-09-19. Review status: criteria provided, single submitter. Criteria: ACMG Guidelines, 2015. Collection method: clinical testing. Allele origin: unknown.

Literature cited by the submitters: PubMed 17407155 (cited by Labcorp Genetics (formerly Invitae), Labcorp).